The following is an entry in ClinVar:

NM_003014.4(SFRP4):c.73G>T (p.Glu25Ter)

Gene: SFRP4 (secreted frizzled related protein 4; minus strand). Cytogenetic location: 7p14.1.
Variant type: single nucleotide variant.
Coding change: c.73G>T on transcript NM_003014.4 (MANE Select); coding-DNA position 73, G replaced by T.
Protein change: p.Glu25Ter; replaces glutamic acid 25 with a stop codon.
Molecular consequence: nonsense.
Genome position (GRCh38, 1-based): chr7:37,916,465, C>A on the plus strand (G>T on the coding strand, the complement: SFRP4 is on the minus strand). VCF-style: chr7-37916465-C-A. GRCh37 (hg19) VCF-style: chr7-37956067-C-A.
Other names: short protein forms E25*.
Identifiers: ClinVar variation 1367322 (VCV001367322.6), dbSNP rs756881667, ClinGen allele CA4222958.

ClinVar aggregate classification (germline): Pathogenic (1 of 4 stars; one submission).

Allele frequency attached by ClinVar (database versions not stated): gnomAD exomes 0.00001; ExAC 0.00002.
gnomAD v4.1: 2 of 1,613,292 alleles (0.00012%); highest among the groups gnomAD compares: Admixed American, 0.0033%; no homozygotes.

Submission:

Labcorp Genetics (formerly Invitae), Labcorp
Classification: Pathogenic. Last evaluated: 2025-03-16. Review status: criteria provided, single submitter. Criteria: Invitae Variant Classification Sherloc (09022015). Collection method: clinical testing. Allele origin: germline.
Comment: This sequence change creates a premature translational stop signal (p.Glu25*) in the SFRP4 gene. It is expected to result in an absent or disrupted protein product. Loss-of-function variants in SFRP4 are known to be pathogenic (PMID: 27355534). This variant is present in population databases (rs756881667, gnomAD 0.006%). This variant has not been reported in the literature in individuals affected with SFRP4-related conditions. ClinVar contains an entry for this variant (Variation ID: 1367322). For these reasons, this variant has been classified as Pathogenic.

Literature cited by the submitters: PubMed 27355534.